The following is an entry in ClinVar:

ClinVar aggregate classification (germline): Conflicting classifications of pathogenicity. Review status: criteria provided, conflicting classifications (1 of 4 stars). 3 submissions from 3 submitters: Uncertain significance (2); Likely benign (1). Last evaluated 2025-02-07.

Conditions:
Hypertrophic cardiomyopathy. Also called: HYPERTROPHIC MYOCARDIOPATHY. Identifiers: Orphanet 217569, MedGen C0007194, MeSH D002312, MONDO:0005045, HP:0001639.

Allele frequency attached by ClinVar (database versions not stated): TOPMed 0.00035; ESP Exome Variant Server 0.00038; gnomAD 0.00038; ExAC 0.00043.

Submissions (3):

Ambry Genetics
Classification: Uncertain significance. Last evaluated: 2025-02-07. Review status: criteria provided, single submitter. Criteria: Ambry Variant Classification Scheme 2023. Collection method: clinical testing. Allele origin: germline.

Blueprint Genetics
Classification: Likely benign. Last evaluated: 2024-10-02. Review status: criteria provided, single submitter. Criteria: ACMG Guidelines, 2015. Collection method: clinical testing. Allele origin: germline.

Petrovsky National Research Centre of Surgery, The Federal Agency for Scientific Organizations
Classification: Uncertain significance for Hypertrophic cardiomyopathy. Last evaluated: 2023-11-15. Review status: criteria provided, single submitter. Criteria: ACMG Guidelines, 2015. Collection method: clinical testing. Allele origin: germline. Affected: yes.
Comment: The NM_001010985:c.602G>A variant is in The Genome Aggregation Database (gnomAD) v2.1.1 and v4.0.0 with total MAF 0.0003749 and 0.0003773 (Date of access 14-11-2023). Clinvar contains an entry for this variant (Variation ID: 2410677). This variant has not been reported in any study to our knowledge. Most in silico predictors show benign result of the protein change. In accordance with ACMG(2015) criteria this variant is classified as Variant of Uncertain Significance (VUS) with following criteria selected: BP4.

NM_001010985.3(MYBPHL):c.602G>A (p.Arg201His)

Gene: MYBPHL (myosin binding protein H like; minus strand). Cytogenetic location: 1p13.3.
Variant type: single nucleotide variant.
Coding change: c.602G>A on transcript NM_001010985.3 (MANE Select); coding-DNA position 602, G replaced by A.
Protein change: p.Arg201His; replaces arginine 201 with histidine.
Molecular consequence: missense variant.
Genome position (GRCh38, 1-based): chr1:109,296,911, C>T on the plus strand (G>A on the coding strand, the complement: MYBPHL is on the minus strand). VCF-style: chr1-109296911-C-T. GRCh37 (hg19) VCF-style: chr1-109839533-C-T.
Other names: p.Arg201His; c.533G>A, p.Arg178His (NM_001265613.2); short protein forms R201H, R178H.
Identifiers: ClinVar variation 2410677 (VCV002410677.6), dbSNP rs141518010, ClinGen allele CA989288.